The following is an entry in ClinVar:

ClinVar aggregate classification (germline): Likely benign. Review status: criteria provided, multiple submitters, no conflicts (2 of 4 stars). 3 submissions from 3 submitters: Likely benign (3). Last evaluated 2025-10-28.

Conditions:
Congenital contractural arachnodactyly (CCA). Also called: BEALS SYNDROME; Beals-Hecht syndrome; Arthrogryposis, distal, type 9. Identifiers: Orphanet 115, MedGen C0220668, MONDO:0007363, OMIM 121050.
Familial thoracic aortic aneurysm and aortic dissection (TAAD). Also called: Thoracic aortic aneurysms and dissections. Identifiers: Orphanet 91387, MedGen C4707243, MONDO:0019625.

Allele frequency attached by ClinVar (database versions not stated): gnomAD exomes below 0.00001; gnomAD 0.00001; TOPMed 0.00001.
gnomAD v4.1: 7 of 1,603,722 alleles (0.00044%); highest among the groups gnomAD compares: Non-Finnish European, 0.0006%; no homozygotes.

Submissions (3):

Labcorp Genetics (formerly Invitae), Labcorp
Classification: Likely benign for Congenital contractural arachnodactyly. Last evaluated: 2025-10-28. Review status: criteria provided, single submitter. Criteria: Invitae Variant Classification Sherloc (09022015). Collection method: clinical testing. Allele origin: germline.

CeGaT Center for Human Genetics Tuebingen
Classification: Likely benign. Last evaluated: 2023-08-01. Review status: criteria provided, single submitter. Criteria: CeGaT Center For Human Genetics Tuebingen Variant Classification Criteria Version 2. Collection method: clinical testing. Allele origin: germline. Affected: yes. Observed: 1 variant allele.
Comment: FBN2: BP4, BP7

Ambry Genetics
Classification: Likely benign for Familial thoracic aortic aneurysm and aortic dissection. Last evaluated: 2016-10-07. Review status: criteria provided, single submitter. Criteria: Ambry Variant Classification Scheme 2023. Collection method: clinical testing. Allele origin: germline.

NM_001999.4(FBN2):c.2283T>C (p.Gly761=)

Gene: FBN2 (fibrillin 2; minus strand). Cytogenetic location: 5q23.3.
Variant type: single nucleotide variant.
Coding change: c.2283T>C on transcript NM_001999.4 (MANE Select); coding-DNA position 2283, T replaced by C.
Protein change: p.Gly761=; no amino-acid change (glycine 761 retained).
Molecular consequence: synonymous variant.
Genome position (GRCh38, 1-based): chr5:128,366,396, A>G on the plus strand (T>C on the coding strand, the complement: FBN2 is on the minus strand). VCF-style: chr5-128366396-A-G. GRCh37 (hg19) VCF-style: chr5-127702089-A-G.
Identifiers: ClinVar variation 519828 (VCV000519828.38), dbSNP rs1235214641, ClinGen allele CA446312535.